The following is an entry in ClinVar:

ClinVar aggregate classification (germline): Benign/Likely benign. Review status: criteria provided, multiple submitters, no conflicts (2 of 4 stars). 4 submissions from 3 submitters: Benign (2); Likely benign (2). Last evaluated 2019-04-03.

Conditions:
Dyskeratosis congenita, autosomal dominant 3. Identifiers: MedGen C3151445, MONDO:0013522, OMIM 613990.
Revesz syndrome. Also called: EXUDATIVE RETINOPATHY WITH BONE MARROW FAILURE; DYSKERATOSIS CONGENITA, AUTOSOMAL DOMINANT 5. Identifiers: Orphanet 3088, MedGen C1327916, MONDO:0009990, OMIM 268130.

Allele frequency attached by ClinVar (database versions not stated): gnomAD 0.00517 and 0.00557; 1000 Genomes Project 0.00519; 1000 Genomes Project 30x 0.00562; TOPMed 0.00629.
gnomAD v4.1: 1,543 of 1,485,390 alleles (0.1%); highest among the groups gnomAD compares: African/African-American, 1.8%; 17 homozygotes.

Submissions (4):

GeneDx
Classification: Likely benign. Last evaluated: 2019-04-03. Review status: criteria provided, single submitter. Criteria: GeneDx Variant Classification Process June 2021. Collection method: clinical testing. Allele origin: germline. Affected: yes.

Illumina Laboratory Services, Illumina
Classification: Benign for Dyskeratosis congenita, autosomal dominant 3. Last evaluated: 2018-01-12. Review status: criteria provided, single submitter. Criteria: ICSL Variant Classification Criteria 13 December 2019. Collection method: clinical testing. Allele origin: germline.
Comment: This variant was observed in the ICSL laboratory as part of a predisposition screen in an ostensibly healthy population. It had not been previously curated by ICSL or reported in the Human Gene Mutation Database (HGMD: prior to June 1st, 2018), and was therefore a candidate for classification through an automated scoring system. Utilizing variant allele frequency, disease prevalence and penetrance estimates, and inheritance mode, an automated score was calculated to assess if this variant is too frequent to cause the disease. Based on the score and internal cut-off values, a variant classified as benign is not then subjected to further curation. The score for this variant resulted in a classification of benign for this disease.

Illumina Laboratory Services, Illumina
Classification: Benign for Revesz syndrome. Last evaluated: 2018-01-12. Review status: criteria provided, single submitter. Criteria: ICSL Variant Classification Criteria 13 December 2019. Collection method: clinical testing. Allele origin: germline.
Comment: the same text as in the submission from Illumina Laboratory Services, Illumina above.

Breakthrough Genomics
Classification: Likely benign. Review status: criteria provided, single submitter. Criteria: ACMG Guidelines, 2015. Collection method: not provided. Allele origin: germline. Inheritance: Autosomal dominant inheritance. Affected: yes.

NM_001099274.3(TINF2):c.-91C>T

Genes: TINF2 (TERF1 interacting nuclear factor 2; minus strand), LOC130055404 (ATAC-STARR-seq lymphoblastoid active region 8200; plus strand). Cytogenetic location: 14q12.
Variant type: single nucleotide variant.
Coding change: c.-91C>T on transcript NM_001099274.3 (MANE Select); 91 bases upstream of the start codon, C replaced by T.
Molecular consequence: 5 prime UTR variant.
Genome position (GRCh38, 1-based): chr14:24,242,423, G>A on the plus strand (C>T on the coding strand, the complement: TINF2 is on the minus strand). VCF-style: chr14-24242423-G-A. GRCh37 (hg19) VCF-style: chr14-24711629-G-A.
Other names: c.-91C>T (NM_001363668.2, NM_012461.3).
Identifiers: ClinVar variation 312959 (VCV000312959.8), dbSNP rs36124829, ClinGen allele CA10640021.